The following is an entry in ClinVar:

NM_017534.6(MYH2):c.1334G>T (p.Arg445Leu)

Genes: MYHAS (myosin heavy chain gene cluster antisense RNA; plus strand), MYH2 (myosin heavy chain 2; minus strand). Cytogenetic location: 17p13.1.
Variant type: single nucleotide variant.
Coding change: c.1334G>T on transcript NM_017534.6 (MANE Select); coding-DNA position 1334, G replaced by T.
Protein change: p.Arg445Leu; replaces arginine 445 with leucine.
Molecular consequence: missense variant.
Genome position (GRCh38, 1-based): chr17:10,539,287, C>A on the plus strand (G>T on the coding strand, the complement: MYH2 is on the minus strand). VCF-style: chr17-10539287-C-A. GRCh37 (hg19) VCF-style: chr17-10442604-C-A.
Other names: c.1334G>T, p.Arg445Leu (NM_001100112.2); short protein forms R445L.
Identifiers: ClinVar variation 423776 (VCV000423776.10), dbSNP rs201040489, ClinGen allele CA16620326.
Genomic context (GRCh38, chr17:10,539,287, plus strand): 5'-ATGTCCAAGACCCCGATGAAGTACTGCCTGGGCTGCTTGGTGTCCAGCTGCTGGTTGATG[C>A]GGGCAACCATCCACAGGAACATCTTCTCGTAGACGGCTTTGGCCAGAGCACCTACTGCGT-3'
Protein context (NP_060004.3, residues 435-455): YEKMFLWMVA[Arg445Leu]INQQLDTKQP

ClinVar aggregate classification (germline): Uncertain significance. Review status: criteria provided, multiple submitters, no conflicts (2 of 4 stars). 2 submissions from 2 submitters: Uncertain significance (2). Last evaluated 2022-09-07.

Conditions:
Myopathy, proximal, and ophthalmoplegia (CMYO6). Also called: CONGENITAL MYOPATHY 6 WITH OPHTHALMOPLEGIA; INCLUSION BODY MYOPATHY 3, AUTOSOMAL DOMINANT; MYOPATHY WITH CONGENITAL JOINT CONTRACTURES, OPHTHALMOPLEGIA, AND RIMMED VACUOLES. Identifiers: Orphanet 363677, Orphanet 79091, MedGen C1854106, MONDO:0011577, OMIM 605637.

gnomAD v4.1: 1 of 1,614,192 alleles (0.000062%); highest among the groups gnomAD compares: Non-Finnish European, 0.000085%; no homozygotes.

Submissions (2):

Labcorp Genetics (formerly Invitae), Labcorp
Classification: Uncertain significance for Myopathy, proximal, and ophthalmoplegia. Last evaluated: 2022-09-07. Review status: criteria provided, single submitter. Criteria: Invitae Variant Classification Sherloc (09022015). Collection method: clinical testing. Allele origin: germline.
Comment: This variant has not been reported in the literature in individuals affected with MYH2-related conditions. In summary, the available evidence is currently insufficient to determine the role of this variant in disease. Therefore, it has been classified as a Variant of Uncertain Significance. Algorithms developed to predict the effect of missense changes on protein structure and function are either unavailable or do not agree on the potential impact of this missense change (SIFT: "Deleterious"; PolyPhen-2: "Benign"; Align-GVGD: "Class C65"). ClinVar contains an entry for this variant (Variation ID: 423776). This variant is not present in population databases (gnomAD no frequency). This sequence change replaces arginine, which is basic and polar, with leucine, which is neutral and non-polar, at codon 445 of the MYH2 protein (p.Arg445Leu).

GeneDx
Classification: Uncertain significance. Last evaluated: 2017-02-22. Review status: criteria provided, single submitter. Criteria: GeneDx Variant Classification (06012015). Collection method: clinical testing. Allele origin: germline. Affected: yes.
Comment: The R445L variant in the MYH2 gene has not been reported previously as a pathogenic variant, nor as a benign variant, to our knowledge. This variant is not observed in large population cohorts (Lek et al., 2016; 1000 Genomes Consortium et al., 2015; Exome Variant Server). The R445L variant is a non-conservative amino acid substitution, which is likely to impact secondary protein structure as these residues differ in polarity, charge, size and/or other properties. This substitution occurs at a position that is conserved across species, and in silico analysis predicts this variant is probably damaging to the protein structure/function. A missense variant in the same residue (R445C) has been reported in association with autosomal recessive MYH2-related disorders (Tajsharghi et al., 2013), supporting the functional importance of this residue of the protein. We interpret R445L as a variant of uncertain significance.